The following is an entry in ClinVar:

ClinVar aggregate classification (germline): Likely benign. Review status: criteria provided, multiple submitters, no conflicts (2 of 4 stars). 3 submissions from 3 submitters: Likely benign (2). 1 of the submissions does not count toward it. Last evaluated 2026-01-05.

Conditions:
Familial thoracic aortic aneurysm and aortic dissection (TAAD). Also called: Thoracic aortic aneurysms and dissections. Identifiers: Orphanet 91387, MedGen C4707243, MONDO:0019625.
NOTCH1-related disorder. Also called: NOTCH1-related disorders; NOTCH1-related condition.
Adams-Oliver syndrome 5 (AOS5). Identifiers: Orphanet 974, MedGen C4014970, MONDO:0014459, OMIM 616028.

Allele frequency attached by ClinVar (database versions not stated): ExAC 0.00003; TOPMed 0.00003; gnomAD exomes 0.00004; 1000 Genomes Project 30x 0.00016; 1000 Genomes Project 0.00020; gnomAD 0.00001 and 0.00002.

Submissions (3):

Labcorp Genetics (formerly Invitae), Labcorp
Classification: Likely benign for Adams-Oliver syndrome 5. Last evaluated: 2026-01-05. Review status: criteria provided, single submitter. Criteria: Invitae Variant Classification Sherloc (09022015). Collection method: clinical testing. Allele origin: germline.

Ambry Genetics
Classification: Likely benign for Familial thoracic aortic aneurysm and aortic dissection. Last evaluated: 2021-03-31. Review status: criteria provided, single submitter. Criteria: Ambry Variant Classification Scheme 2023. Collection method: clinical testing. Allele origin: germline.

PreventionGenetics, part of Exact Sciences
Classification: Likely benign for NOTCH1-related condition. Last evaluated: 2019-08-20. Review status: no assertion criteria provided. Collection method: clinical testing. Allele origin: germline. Not counted in ClinVar's aggregate classification.
Comment: This variant is classified as likely benign based on ACMG/AMP sequence variant interpretation guidelines (Richards et al. 2015 PMID: 25741868, with internal and published modifications).

NM_017617.5(NOTCH1):c.3213C>T (p.Gly1071=)

Gene: NOTCH1 (notch receptor 1; minus strand). Cytogenetic location: 9q34.3.
Variant type: single nucleotide variant.
Coding change: c.3213C>T on transcript NM_017617.5 (MANE Select); coding-DNA position 3213, C replaced by T.
Protein change: p.Gly1071=; no amino-acid change (glycine 1071 retained).
Molecular consequence: synonymous variant.
Genome position (GRCh38, 1-based): chr9:136,508,344, G>A on the plus strand (C>T on the coding strand, the complement: NOTCH1 is on the minus strand). VCF-style: chr9-136508344-G-A. GRCh37 (hg19) VCF-style: chr9-139402796-G-A.
Other names: c.3213C>T, p.Gly1071= (LRG_1122t1); c.3213C>T (NM_017617.4).
Identifiers: ClinVar variation 415412 (VCV000415412.14), dbSNP rs528993886, ClinGen allele CA5341015.